The following is an entry in ClinVar:

ClinVar aggregate classification (germline): Likely pathogenic. Review status: criteria provided, multiple submitters, no conflicts (2 of 4 stars). 2 submissions from 2 submitters: Likely pathogenic (2). Last evaluated 2024-03-13.

Conditions:
ABCC8-related disorder.

Allele frequency attached by ClinVar (database versions not stated): gnomAD exomes 0.00001; ExAC 0.00002.
gnomAD v4.1: 2 of 1,614,052 alleles (0.00012%); highest among the groups gnomAD compares: Non-Finnish European, 0.00017%; no homozygotes.

Submissions (2):

Labcorp Genetics (formerly Invitae), Labcorp
Classification: Likely pathogenic. Last evaluated: 2024-03-13. Review status: criteria provided, single submitter. Criteria: Invitae Variant Classification Sherloc (09022015). Collection method: clinical testing. Allele origin: germline.
Comment: This sequence change replaces arginine, which is basic and polar, with leucine, which is neutral and non-polar, at codon 1493 of the ABCC8 protein (p.Arg1493Leu). This variant is present in population databases (rs746480424, gnomAD 0.002%). This variant has not been reported in the literature in individuals affected with ABCC8-related conditions. ClinVar contains an entry for this variant (Variation ID: 1475961). Advanced modeling of protein sequence and biophysical properties (such as structural, functional, and spatial information, amino acid conservation, physicochemical variation, residue mobility, and thermodynamic stability) performed at Invitae indicates that this missense variant is expected to disrupt ABCC8 protein function with a positive predictive value of 95%. This variant disrupts the p.Arg1493 amino acid residue in ABCC8. Other variant(s) that disrupt this residue have been determined to be pathogenic (PMID: 9769320, 15579781, 30186238; Invitae). This suggests that this residue is clinically significant, and that variants that disrupt this residue are likely to be disease-causing. In summary, the currently available evidence indicates that the variant is pathogenic, but additional data are needed to prove that conclusively. Therefore, this variant has been classified as Likely Pathogenic.

Blueprint Genetics
Classification: Likely pathogenic for ABCC8-related disorders. Last evaluated: 2017-06-01. Review status: criteria provided, single submitter. Criteria: ACMG Guidelines, 2015. Collection method: clinical testing. Allele origin: germline. Affected: yes. Observed: 1 variant allele.

Literature cited by the submitters: PubMed 9769320 (cited by Labcorp Genetics (formerly Invitae), Labcorp); PubMed 15579781 (cited by Labcorp Genetics (formerly Invitae), Labcorp); PubMed 30186238 (cited by Labcorp Genetics (formerly Invitae), Labcorp).

NM_000352.6(ABCC8):c.4478G>T (p.Arg1493Leu)

Gene: ABCC8 (ATP binding cassette subfamily C member 8; minus strand). Cytogenetic location: 11p15.1.
Variant type: single nucleotide variant.
Coding change: c.4478G>T on transcript NM_000352.6 (MANE Select); coding-DNA position 4478, G replaced by T.
Protein change: p.Arg1493Leu; replaces arginine 1493 with leucine.
Molecular consequence: missense variant. On other transcripts: non-coding transcript variant (1).
Genome position (GRCh38, 1-based): chr11:17,394,333, C>A on the plus strand (G>T on the coding strand, the complement: ABCC8 is on the minus strand). VCF-style: chr11-17394333-C-A. GRCh37 (hg19) VCF-style: chr11-17415880-C-A.
Other names: c.4481G>T, p.Arg1494Leu (NM_001287174.3); c.4544G>T, p.Arg1515Leu (NM_001351295.2); c.4478G>T, p.Arg1493Leu (NM_001351296.2); c.4475G>T, p.Arg1492Leu (NM_001351297.2); short protein forms R1494L, R1515L, R1493L, R1492L.
Identifiers: ClinVar variation 1475961 (VCV001475961.9), dbSNP rs746480424, ClinGen allele CA5902466.